The following is an entry in ClinVar:

ClinVar aggregate classification (germline): Uncertain significance (1 of 4 stars; one submission).

Submission:

Labcorp Genetics (formerly Invitae), Labcorp
Classification: Uncertain significance. Last evaluated: 2023-07-17. Review status: criteria provided, single submitter. Criteria: Invitae Variant Classification Sherloc (09022015). Collection method: clinical testing. Allele origin: germline.
Comment: This sequence change replaces glutamic acid, which is acidic and polar, with lysine, which is basic and polar, at codon 754 of the RASGRP1 protein (p.Glu754Lys). This variant is not present in population databases (gnomAD no frequency). This variant has not been reported in the literature in individuals affected with RASGRP1-related conditions. In summary, the available evidence is currently insufficient to determine the role of this variant in disease. Therefore, it has been classified as a Variant of Uncertain Significance. Algorithms developed to predict the effect of sequence changes on RNA splicing suggest that this variant may disrupt the consensus splice site. An algorithm developed to predict the effect of missense changes on protein structure and function (PolyPhen-2) suggests that this variant is likely to be tolerated. ClinVar contains an entry for this variant (Variation ID: 1996833).

NM_005739.4(RASGRP1):c.2260G>A (p.Glu754Lys)

Gene: RASGRP1 (RAS guanyl releasing protein 1; minus strand). Cytogenetic location: 15q14.
Variant type: single nucleotide variant.
Coding change: c.2260G>A on transcript NM_005739.4 (MANE Select); coding-DNA position 2260, G replaced by A.
Protein change: p.Glu754Lys; replaces glutamic acid 754 with lysine.
Molecular consequence: missense variant.
Genome position (GRCh38, 1-based): chr15:38,490,688, C>T on the plus strand (G>A on the coding strand, the complement: RASGRP1 is on the minus strand). VCF-style: chr15-38490688-C-T. GRCh37 (hg19) VCF-style: chr15-38782889-C-T.
Other names: c.2155G>A, p.Glu719Lys (NM_001128602.2); c.1769G>A, p.Gly590Glu (NM_001306086.2); short protein forms E754K, E719K, G590E.
Identifiers: ClinVar variation 1996833 (VCV001996833.4), dbSNP rs2542838838, ClinGen allele CA391661089.
Genomic context (GRCh38, chr15:38,490,688, plus strand): 5'-TCTGTGCATATTTCAGTTGGATCTTTAGGGCATCATTATCTGCTTTCAGAGTATTTATTT[C>T]CTAAAGGGAAAGGAGAATGAGGTATGTTAATAAAGCAGCAATGAATAGCAAATGAATTAC-3'
Protein context (NP_005730.2, residues 744-764): RLPTYQELEQ[Glu754Lys]INTLKADNDA